The following is an entry in ClinVar:

NM_004369.4(COL6A3):c.8893A>G (p.Thr2965Ala)

Gene: COL6A3 (collagen type VI alpha 3 chain; minus strand). Cytogenetic location: 2q37.3.
Variant type: single nucleotide variant.
Coding change: c.8893A>G on transcript NM_004369.4 (MANE Select); coding-DNA position 8893, A replaced by G.
Protein change: p.Thr2965Ala; replaces threonine 2965 with alanine.
Molecular consequence: missense variant.
Genome position (GRCh38, 1-based): chr2:237,336,207, T>C on the plus strand (A>G on the coding strand, the complement: COL6A3 is on the minus strand). VCF-style: chr2-237336207-T-C. GRCh37 (hg19) VCF-style: chr2-238244850-T-C.
Other names: c.7072A>G, p.Thr2358Ala (NM_057166.5); c.8275A>G, p.Thr2759Ala (NM_057167.4); short protein forms T2759A, T2965A, T2358A.
Identifiers: ClinVar variation 3669278 (VCV003669278.2).

ClinVar aggregate classification (germline): Uncertain significance (1 of 4 stars; one submission).

Conditions:
Bethlem myopathy 1A. Also called: MYOPATHY, BENIGN CONGENITAL, WITH CONTRACTURES; Bethlem myopathy 1; Bethlem Muscular Dystrophy. Identifiers: Orphanet 610, MedGen CN029274, MONDO:0024530, OMIM 158810.

Submission:

Labcorp Genetics (formerly Invitae), Labcorp
Classification: Uncertain significance for Bethlem myopathy 1A. Last evaluated: 2024-03-11. Review status: criteria provided, single submitter. Criteria: Invitae Variant Classification Sherloc (09022015). Collection method: clinical testing. Allele origin: germline.
Comment: This sequence change replaces threonine, which is neutral and polar, with alanine, which is neutral and non-polar, at codon 2965 of the COL6A3 protein (p.Thr2965Ala). This variant is not present in population databases (gnomAD no frequency). This variant has not been reported in the literature in individuals affected with COL6A3-related conditions. Advanced modeling of protein sequence and biophysical properties (such as structural, functional, and spatial information, amino acid conservation, physicochemical variation, residue mobility, and thermodynamic stability) performed at Invitae indicates that this missense variant is not expected to disrupt COL6A3 protein function with a negative predictive value of 95%. In summary, the available evidence is currently insufficient to determine the role of this variant in disease. Therefore, it has been classified as a Variant of Uncertain Significance.